The following is an entry in ClinVar:

NM_004727.3(SLC24A1):c.1925A>G (p.Gln642Arg)

Gene: SLC24A1 (solute carrier family 24 member 1; plus strand). Cytogenetic location: 15q22.31.
Variant type: single nucleotide variant.
Coding change: c.1925A>G on transcript NM_004727.3 (MANE Select); coding-DNA position 1925, A replaced by G.
Protein change: p.Gln642Arg; replaces glutamine 642 with arginine.
Molecular consequence: missense variant. On other transcripts: intron variant (2).
Genome position (GRCh38, 1-based): chr15:65,638,162, A>G. VCF-style: chr15-65638162-A-G. GRCh37 (hg19) VCF-style: chr15-65930500-A-G.
Other names: c.1925A>G, p.Gln642Arg (NM_001301031.1); c.1891-1433A>G (NM_001301033.2, NM_001301032.1); short protein forms Q642R.
Identifiers: ClinVar variation 887712 (VCV000887712.12), dbSNP rs376244274, ClinGen allele CA7620016.

ClinVar aggregate classification (germline): Uncertain significance. Review status: criteria provided, multiple submitters, no conflicts (2 of 4 stars). 4 submissions from 4 submitters: Uncertain significance (4). Last evaluated 2025-08-13.

Conditions:
Inborn genetic diseases. Identifiers: MedGen C0950123, MeSH D030342.
Congenital stationary night blindness 1D. Also called: Night blindness, congenital stationary (complete), 1D, autosomal recessive. Identifiers: Orphanet 215, MedGen C3151193, MONDO:0013450, OMIM 613830.

Allele frequency attached by ClinVar (database versions not stated): ESP Exome Variant Server 0.00008; gnomAD exomes 0.00010 and 0.00021; gnomAD 0.00011 and 0.00012; ExAC 0.00013; TOPMed 0.00013.
gnomAD v4.1: 327 of 1,609,526 alleles (0.02%); highest among the groups gnomAD compares: Non-Finnish European, 0.027%; no homozygotes.

Submissions (4):

Ambry Genetics
Classification: Uncertain significance for Inborn genetic diseases. Last evaluated: 2025-08-13. Review status: criteria provided, single submitter. Criteria: Ambry Variant Classification Scheme 2023. Collection method: clinical testing. Allele origin: germline.

Blueprint Genetics
Classification: Uncertain significance. Last evaluated: 2024-11-04. Review status: criteria provided, single submitter. Criteria: ACMG Guidelines, 2015. Collection method: clinical testing. Allele origin: germline.

Labcorp Genetics (formerly Invitae), Labcorp
Classification: Uncertain significance. Last evaluated: 2023-11-27. Review status: criteria provided, single submitter. Criteria: Invitae Variant Classification Sherloc (09022015). Collection method: clinical testing. Allele origin: germline.
Comment: This sequence change replaces glutamine, which is neutral and polar, with arginine, which is basic and polar, at codon 642 of the SLC24A1 protein (p.Gln642Arg). This variant is present in population databases (rs376244274, gnomAD 0.02%). This variant has not been reported in the literature in individuals affected with SLC24A1-related conditions. ClinVar contains an entry for this variant (Variation ID: 887712). An algorithm developed to predict the effect of missense changes on protein structure and function (PolyPhen-2) suggests that this variant¬†is likely to be tolerated. In summary, the available evidence is currently insufficient to determine the role of this variant in disease. Therefore, it has been classified as a Variant of Uncertain Significance.

Illumina Laboratory Services, Illumina
Classification: Uncertain significance for Congenital stationary night blindness 1D. Last evaluated: 2018-01-12. Review status: criteria provided, single submitter. Criteria: ICSL Variant Classification Criteria 13 December 2019. Collection method: clinical testing. Allele origin: germline.